The following is an entry in ClinVar:

ClinVar aggregate classification (germline): Uncertain significance (1 of 4 stars; one submission).

Conditions:
Xanthinuria type II. Also called: Xanthine dehydrogenase and aldehyde oxidase combined deficiency of; XDH and AOX dual deficiency. Identifiers: Orphanet 3467, Orphanet 93602, MedGen C1863688, MONDO:0011346, OMIM 603592.

Allele frequency attached by ClinVar (database versions not stated): ExAC 0.00002; TOPMed 0.00003; gnomAD exomes 0.00004; gnomAD 0.00005; ESP Exome Variant Server 0.00008.
gnomAD v4.1: 77 of 1,613,946 alleles (0.0048%); highest among the groups gnomAD compares: Non-Finnish European, 0.0057%; no homozygotes.

Submission:

Labcorp Genetics (formerly Invitae), Labcorp
Classification: Uncertain significance for Xanthinuria type II. Last evaluated: 2022-04-16. Review status: criteria provided, single submitter. Criteria: Invitae Variant Classification Sherloc (09022015). Collection method: clinical testing. Allele origin: germline.
Comment: This sequence change replaces leucine, which is neutral and non-polar, with phenylalanine, which is neutral and non-polar, at codon 874 of the XDH protein (p.Leu874Phe). This variant is present in population databases (rs371771297, gnomAD 0.004%). This variant has not been reported in the literature in individuals affected with XDH-related conditions. Algorithms developed to predict the effect of missense changes on protein structure and function are either unavailable or do not agree on the potential impact of this missense change (SIFT: "Deleterious"; PolyPhen-2: "Benign"; Align-GVGD: "Class C15"). In summary, the available evidence is currently insufficient to determine the role of this variant in disease. Therefore, it has been classified as a Variant of Uncertain Significance.

NM_000379.4(XDH):c.2620C>T (p.Leu874Phe)

Gene: XDH (xanthine dehydrogenase; minus strand). Cytogenetic location: 2p23.1.
Variant type: single nucleotide variant.
Coding change: c.2620C>T on transcript NM_000379.4 (MANE Select); coding-DNA position 2620, C replaced by T.
Protein change: p.Leu874Phe; replaces leucine 874 with phenylalanine.
Molecular consequence: missense variant.
Genome position (GRCh38, 1-based): chr2:31,364,169, G>A on the plus strand (C>T on the coding strand, the complement: XDH is on the minus strand). VCF-style: chr2-31364169-G-A. GRCh37 (hg19) VCF-style: chr2-31587035-G-A.
Other names: short protein forms L874F.
Identifiers: ClinVar variation 2151734 (VCV002151734.1), dbSNP rs371771297, ClinGen allele CA1598741.